The following is an entry in ClinVar:

ClinVar aggregate classification (germline): Pathogenic/Likely pathogenic. Review status: criteria provided, multiple submitters, no conflicts (2 of 4 stars). 3 submissions from 3 submitters: Pathogenic (1); Likely pathogenic (1). 1 of the submissions does not count toward it. Last evaluated 2025-07-11.

Conditions:
Ornithine aminotransferase deficiency (GACR). Also called: HYPERORNITHINEMIA WITH GYRATE ATROPHY OF CHOROID AND RETINA; OAT DEFICIENCY; OKT DEFICIENCY; Ornithine ketoacid aminotransferase deficiency; Gyrate atrophy; Gyrate atrophy of choroid and retina. Identifiers: Orphanet 414, MedGen C0018425, MONDO:0009796, OMIM 258870.

Allele frequency attached by ClinVar (database versions not stated): gnomAD exomes below 0.00001.

Submissions (3):

Myriad Genetics, Inc.
Classification: Likely pathogenic for Ornithine aminotransferase deficiency. Last evaluated: 2025-07-11. Review status: criteria provided, single submitter. Criteria: Myriad Autosomal Dominant, Autosomal Recessive and X-Linked Classification Criteria (2023). Collection method: clinical testing. Allele origin: unknown.
Comment: NM_000274.3(OAT):c.1181G>A(C394Y) is a missense variant classified as likely pathogenic in the context of ornithine aminotransferase deficiency. C394Y has been observed in cases with relevant disease (PMID: 23076989). Relevant functional assessments of this variant are available in the literature (PMID: 34395527). Internal structural analysis of the variant is supportive of pathogenicity. C394Y has not been observed in referenced population frequency databases. In summary, NM_000274.3(OAT):c.1181G>A(C394Y) is a missense variant that has both functional and internal structural support for pathogenicity and has been observed more frequently in cases with the relevant disease than in healthy populations. Please note: this variant was assessed in the context of healthy population screening.

Fulgent Genetics
Classification: Pathogenic for Ornithine aminotransferase deficiency. Last evaluated: 2024-03-05. Review status: criteria provided, single submitter. Criteria: ACMG Guidelines, 2015. Collection method: clinical testing. Allele origin: germline.

Juha Muilu Group; Institute for Molecular Medicine Finland (FIMM)
Classification: Likely pathogenic for Ornithine aminotransferase deficiency. Review status: no assertion criteria provided. Collection method: not provided. Allele origin: unknown. Not counted in ClinVar's aggregate classification.
Comment: FinDis database variant: This variant was not found or characterized by our laboratory, data were collected from public sources: see reference
ClinVar note: Converted during submission from probable-pathogenic to Likely pathogenic.

Literature cited by the submitters: PubMed 23076989 (cited by Myriad Genetics, Inc.); PubMed 34395527 (cited by Myriad Genetics, Inc.).

NM_000274.4(OAT):c.1181G>A (p.Cys394Tyr)

Gene: OAT (ornithine aminotransferase; minus strand). Cytogenetic location: 10q26.13.
Variant type: single nucleotide variant.
Coding change: c.1181G>A on transcript NM_000274.4 (MANE Select); coding-DNA position 1181, G replaced by A.
Protein change: p.Cys394Tyr; replaces cysteine 394 with tyrosine.
Molecular consequence: missense variant.
Genome position (GRCh38, 1-based): chr10:124,398,081, C>T on the plus strand (G>A on the coding strand, the complement: OAT is on the minus strand). VCF-style: chr10-124398081-C-T. GRCh37 (hg19) VCF-style: chr10-126086650-C-T.
Other names: c.767G>A, p.Cys256Tyr (NM_001171814.2); c.1181G>A, p.Cys394Tyr (NM_001322965.2, NM_001322966.2, NM_001322967.2 and 3 more transcripts); c.860G>A, p.Cys287Tyr (NM_001322971.2); c.581G>A, p.Cys194Tyr (NM_001322974.2); short protein forms C256Y, C394Y, C194Y, C287Y.
Identifiers: ClinVar variation 56114 (VCV000056114.4), dbSNP rs386833597, ClinGen allele CA144137.